The following is an entry in ClinVar:

ClinVar aggregate classification (germline): Uncertain significance (1 of 4 stars; one submission).

Allele frequency attached by ClinVar (database versions not stated): TOPMed below 0.00001; gnomAD exomes 0.00001; ExAC 0.00002.
gnomAD v4.1: 10 of 1,614,108 alleles (0.00062%); highest among the groups gnomAD compares: Non-Finnish European, 0.00085%; no homozygotes.

Submission:

Labcorp Genetics (formerly Invitae), Labcorp
Classification: Uncertain significance. Last evaluated: 2022-08-02. Review status: criteria provided, single submitter. Criteria: Invitae Variant Classification Sherloc (09022015). Collection method: clinical testing. Allele origin: germline.
Comment: This variant has not been reported in the literature in individuals affected with GRM1-related conditions. In summary, the available evidence is currently insufficient to determine the role of this variant in disease. Therefore, it has been classified as a Variant of Uncertain Significance. Algorithms developed to predict the effect of missense changes on protein structure and function are either unavailable or do not agree on the potential impact of this missense change (SIFT: "Deleterious"; PolyPhen-2: "Benign"; Align-GVGD: "Class C0"). This variant is present in population databases (rs761307645, gnomAD 0.002%). This sequence change replaces methionine, which is neutral and non-polar, with isoleucine, which is neutral and non-polar, at codon 835 of the GRM1 protein (p.Met835Ile).

NM_001278064.2(GRM1):c.2505G>A (p.Met835Ile)

Gene: GRM1 (glutamate metabotropic receptor 1; plus strand). Cytogenetic location: 6q24.3.
Variant type: single nucleotide variant.
Coding change: c.2505G>A on transcript NM_001278064.2 (MANE Select); coding-DNA position 2505, G replaced by A.
Protein change: p.Met835Ile; replaces methionine 835 with isoleucine.
Molecular consequence: missense variant.
Genome position (GRCh38, 1-based): chr6:146,399,544, G>A. VCF-style: chr6-146399544-G-A. GRCh37 (hg19) VCF-style: chr6-146720680-G-A.
Other names: c.2505G>A, p.Met835Ile (NM_001278065.2, NM_001278066.1, NM_001278067.1); short protein forms M835I.
Identifiers: ClinVar variation 1912896 (VCV001912896.5), dbSNP rs761307645, ClinGen allele CA4037455.
Genomic context (GRCh38, chr6:146,399,544, plus strand): 5'-TTGCTTTGCAGTGAGTCTCAGTGTAACAGTGGCTCTGGGGTGCATGTTCACTCCCAAGAT[G>A]TACATCATTATTGCCAAGCCTGAGAGGAATGTCCGCAGTGCCTTCACCACCTCTGATGTT-3'
Protein context (NP_001264993.1, residues 825-845): VALGCMFTPK[Met835Ile]YIIIAKPERN